The following is an entry in ClinVar:

NC_000009.11:g.(?_286441)_(368155_?)dup

Gene: DOCK8 (dedicator of cytokinesis 8; plus strand). Cytogenetic location: 9p24.3.
Variant type: Duplication.
Identifiers: ClinVar variation 1402289 (VCV001402289.8).

ClinVar aggregate classification (germline): Uncertain significance (1 of 4 stars; one submission).

Conditions:
Hyper-IgE recurrent infection syndrome 3, autosomal recessive. Also called: Autosomal recessive hyper-IgE syndrome due to ZNF341 deficiency; HYPER-IgE SYNDROME 3, AUTOSOMAL RECESSIVE, WITH RECURRENT INFECTIONS. Identifiers: Orphanet 641368, MedGen C4748969, MONDO:0032654, OMIM 618282.

Submission:

Labcorp Genetics (formerly Invitae), Labcorp
Classification: Uncertain significance for Combined immunodeficiency due to DOCK8 deficiency. Last evaluated: 2021-03-27. Review status: criteria provided, single submitter. Criteria: Invitae Variant Classification Sherloc (09022015). Collection method: clinical testing. Allele origin: germline.
Comment: In summary, the available evidence is currently insufficient to determine the role of this variant in disease. Therefore, it has been classified as a Variant of Uncertain Significance. Experimental studies and prediction algorithms are not available or were not evaluated, and the functional significance of this variant is currently unknown. This variant has not been reported in the literature in individuals with DOCK8-related conditions. This variant results in a copy number gain of the genomic region encompassing exon(s) 3-15 of the DOCK8 gene. While the exact position of this variant cannot be determined from the data, sub-genic copy number gains are generally in tandem (PMID: 25640679). This variant is predicted to be in-frame, and likely preserves the integrity of the reading frame.

Literature cited by the submitters: PubMed 25640679.